The following is an entry in ClinVar:

ClinVar aggregate classification (germline): Uncertain significance (1 of 4 stars; one submission).

Conditions:
Hereditary cancer-predisposing syndrome. Also called: Neoplastic Syndromes, Hereditary; Tumor predisposition; Hereditary neoplastic syndrome; Hereditary Cancer Syndrome. Identifiers: Orphanet 140162, MedGen C0027672, MeSH D009386, MONDO:0015356.

Submission:

Ambry Genetics
Classification: Uncertain significance for Hereditary cancer-predisposing syndrome. Last evaluated: 2026-07-06. Review status: criteria provided, single submitter. Criteria: Ambry Variant Classification Scheme 2023. Collection method: clinical testing. Allele origin: germline.
Comment: The p.A528V variant (also known as c.1583C>T), located in coding exon 10 of the PDGFRA gene, results from a C to T substitution at nucleotide position 1583. The alanine at codon 528 is replaced by valine, an amino acid with similar properties. This amino acid position is conserved. In addition, the in silico prediction for this alteration is inconclusive. Based on the available evidence, the clinical significance of this variant remains unclear.

NM_006206.6(PDGFRA):c.1583C>T (p.Ala528Val)

Gene: PDGFRA (platelet derived growth factor receptor alpha; plus strand). Cytogenetic location: 4q12.
Variant type: single nucleotide variant.
Coding change: c.1583C>T on transcript NM_006206.6 (MANE Select); coding-DNA position 1583, C replaced by T.
Protein change: p.Ala528Val; replaces alanine 528 with valine.
Molecular consequence: missense variant.
Genome position (GRCh38, 1-based): chr4:54,274,555, C>T. VCF-style: chr4-54274555-C-T. GRCh37 (hg19) VCF-style: chr4-55140722-C-T.
Other names: c.1583C>T, p.Ala528Val (NM_001347827.2, NM_001347829.2); c.1658C>T, p.Ala553Val (NM_001347828.2); c.1622C>T, p.Ala541Val (NM_001347830.2); short protein forms A541V, A528V, A553V.
Identifiers: ClinVar variation 5026411 (VCV005026411.1).